The following is an entry in ClinVar:

NM_001365951.3(KIF1B):c.4202C>T (p.Thr1401Ile)

Gene: KIF1B (kinesin family member 1B; plus strand). Cytogenetic location: 1p36.22.
Variant type: single nucleotide variant.
Coding change: c.4202C>T on transcript NM_001365951.3 (MANE Select); coding-DNA position 4202, C replaced by T.
Protein change: p.Thr1401Ile; replaces threonine 1401 with isoleucine.
Molecular consequence: missense variant.
Genome position (GRCh38, 1-based): chr1:10,361,723, C>T. VCF-style: chr1-10361723-C-T. GRCh37 (hg19) VCF-style: chr1-10421781-C-T.
Other names: c.4202C>T, p.Thr1401Ile (NM_001365952.1); c.4064C>T, p.Thr1355Ile (NM_015074.3); short protein forms T1355I, T1401I.
Identifiers: ClinVar variation 1737495 (VCV001737495.3), dbSNP rs1638428708, ClinGen allele CA338317177.

ClinVar aggregate classification (germline): Uncertain significance (1 of 4 stars; one submission).

Allele frequency attached by ClinVar (database versions not stated): gnomAD exomes below 0.00001; TOPMed below 0.00001; gnomAD 0.00001.
gnomAD v4.1: 2 of 1,613,960 alleles (0.00012%); highest among the groups gnomAD compares: African/African-American, 0.0013%; no homozygotes.

Submission:

Ambry Genetics
Classification: Uncertain significance. Last evaluated: 2024-08-17. Review status: criteria provided, single submitter. Criteria: Ambry Variant Classification Scheme 2023. Collection method: clinical testing. Allele origin: germline.
Comment: The p.T1355I variant (also known as c.4064C>T), located in coding exon 37 of the KIF1B gene, results from a C to T substitution at nucleotide position 4064. The threonine at codon 1355 is replaced by isoleucine, an amino acid with similar properties. This amino acid position is conserved. In addition, this alteration is predicted to be deleterious by in silico analysis. Since supporting evidence is limited at this time, the clinical significance of this alteration remains unclear.